The following is an entry in ClinVar:

ClinVar aggregate classification (germline): Uncertain significance (1 of 4 stars; one submission).

Conditions:
Noonan syndrome (NS). Also called: Noonan's syndrome. Identifiers: Orphanet 648, MedGen C0028326, MeSH D009634, MONDO:0018997. Disease mechanism: gain of function.

Submission:

Labcorp Genetics (formerly Invitae), Labcorp
Classification: Uncertain significance for Noonan syndrome. Last evaluated: 2019-04-05. Review status: criteria provided, single submitter. Criteria: Invitae Variant Classification Sherloc (09022015). Collection method: clinical testing. Allele origin: germline.
Comment: In summary, the available evidence is currently insufficient to determine the role of this variant in disease. Therefore, it has been classified as a Variant of Uncertain Significance. Nucleotide substitutions within the consensus splice site are a relatively common cause of aberrant splicing (PMID: 17576681, 9536098). Algorithms developed to predict the effect of sequence changes on RNA splicing suggest that this variant may disrupt the consensus splice site, but this prediction has not been confirmed by published transcriptional studies. This variant has not been reported in the literature in individuals with RRAS-related conditions. This variant is not present in population databases (ExAC no frequency). This sequence change falls in intron 2 of the RRAS gene. It does not directly change the encoded amino acid sequence of the RRAS protein, but it affects a nucleotide within the consensus splice site of the intron.

Literature cited by the submitters: PubMed 17576681; PubMed 9536098.

NM_006270.5(RRAS):c.241+5G>A

Gene: RRAS (RAS related; minus strand). Cytogenetic location: 19q13.33.
Variant type: single nucleotide variant.
Coding change: c.241+5G>A on transcript NM_006270.5 (MANE Select); 5 bases into the intron after coding-DNA position 241, G replaced by A.
Molecular consequence: intron variant.
Genome position (GRCh38, 1-based): chr19:49,637,038, C>T on the plus strand (G>A on the coding strand, the complement: RRAS is on the minus strand). VCF-style: chr19-49637038-C-T. GRCh37 (hg19) VCF-style: chr19-50140295-C-T.
Identifiers: ClinVar variation 856413 (VCV000856413.7), dbSNP rs2081000124, ClinGen allele CA916083709.